The following is an entry in ClinVar:

NM_033409.4(SLC52A3):c.1203dup (p.Ser402fs)

Gene: SLC52A3 (solute carrier family 52 member 3; minus strand). Cytogenetic location: 20p13.
Variant type: Duplication.
Coding change: c.1203dup on transcript NM_033409.4 (MANE Select); coding-DNA position 1203, one base duplicated (C; older notation c.1203dupC).
Protein change: p.Ser402fs; shifts the reading frame from serine 402.
Molecular consequence: frameshift variant.
Genome position (GRCh38, 1-based): chr20:761,233, G duplicated on the plus strand (C on the coding strand, the reverse complement: SLC52A3 is on the minus strand); the first of 2 consecutive G bases (chr20:761,233-761,234); duplicating either gives the same sequence. VCF-style (leftmost placement, unchanged base first): chr20-761232-A-AG. GRCh37 (hg19) VCF-style: chr20-741876-A-AG.
Other names: c.1203dup, p.Ser402fs (NM_001370085.1, NM_001370086.1); short protein forms S402fs.
Identifiers: ClinVar variation 1748142 (VCV001748142.2), dbSNP rs1018903291, ClinGen allele CA310674283.
Genomic context (GRCh38, chr20:761,232, plus strand): 5'-GCAGGACCACGCCCAGCATCACCTTGACGTAACTGAGGCAGCCGCTGAAAAGCACCCACG[A>AG]GGCCACCTGCGGGGCCGGGAGGGAAGAGGTGCAGAGTCACGGGGCTTGCGGGGCGAGCGC-3'

ClinVar aggregate classification (germline): Likely pathogenic (1 of 4 stars; one submission).

Conditions:
Inborn genetic diseases. Identifiers: MedGen C0950123, MeSH D030342.

Submission:

Ambry Genetics
Classification: Likely pathogenic for Inborn genetic diseases. Last evaluated: 2021-07-21. Review status: criteria provided, single submitter. Criteria: Ambry Variant Classification Scheme 2023. Collection method: clinical testing. Allele origin: germline.
Comment: The c.1203dupC variant, located in coding exon 4 of the SLC52A3 gene, results from a duplication of C at nucleotide position 1203, causing a translational frameshift with a predicted alternate stop codon (p.S402Lfs*105). This alteration occurs at the 3' terminus of the SLC52A3 gene, is not expected to trigger nonsense-mediated mRNAdecay, and results in the elongation of the protein by 34 amino acids. This frameshift impacts the last 68amino acids of the native protein. However, frameshifts are typically deleterious in nature and the impacted region is critical for protein function. This variant is considered to be rare based on population cohorts in the Genome Aggregation Database (gnomAD). Based on the majority of available evidence to date, this variant is likely to be pathogenic.